The following is an entry in ClinVar:

ClinVar aggregate classification (germline): Conflicting classifications of pathogenicity. Review status: criteria provided, conflicting classifications (1 of 4 stars). 11 submissions from 11 submitters: Uncertain significance (4); Likely benign (4). 3 of the submissions do not count toward it. Last evaluated 2025-12-13.

Conditions:
Breast and/or ovarian cancer. Identifiers: MedGen CN221562.
Hereditary breast ovarian cancer syndrome. Also called: Hereditary breast and ovarian cancer syndrome; Hereditary breast and ovarian cancer; Hereditary breast and ovarian cancer syndrome (HBOC); Breast and ovarian cancer; Hereditary breast and/or ovarian cancer syndrome; BRCA1- and BRCA2-Associated Hereditary Breast and Ovarian Cancer. Identifiers: Orphanet 145, MedGen C0677776, MeSH D061325, MONDO:0003582. Disease mechanism: loss of function.
Hereditary cancer-predisposing syndrome. Also called: Neoplastic Syndromes, Hereditary; Tumor predisposition; Hereditary neoplastic syndrome; Hereditary Cancer Syndrome. Identifiers: Orphanet 140162, MedGen C0027672, MeSH D009386, MONDO:0015356.
Breast-ovarian cancer, familial, susceptibility to, 2 (BROVCA2). Also called: BRCA2 Hereditary Breast and Ovarian Cancer. Identifiers: Orphanet 145, MedGen C2675520, MONDO:0012933, OMIM 612555. Disease mechanism: loss of function.
Familial cancer of breast. Also called: BREAST CANCER, FAMILIAL; Hereditary breast cancer; hereditary breast carcinoma. Identifiers: Orphanet 227535, MedGen C0346153, MONDO:0016419, OMIM 114480. Disease mechanism: loss of function.

Allele frequency attached by ClinVar (database versions not stated): TOPMed 0.00001; ExAC 0.00002; gnomAD exomes 0.00002.

Submissions (11):

Labcorp Genetics (formerly Invitae), Labcorp
Classification: Likely benign for Hereditary breast ovarian cancer syndrome. Last evaluated: 2025-12-13. Review status: criteria provided, single submitter. Criteria: Invitae Variant Classification Sherloc (09022015). Collection method: clinical testing. Allele origin: germline.

Women's Health and Genetics/Laboratory Corporation of America, LabCorp
Classification: Uncertain significance. Last evaluated: 2025-06-19. Review status: criteria provided, single submitter. Criteria: LabCorp Variant Classification Summary - May 2015. Collection method: clinical testing. Allele origin: germline.
Comment: Variant summary: BRCA2 c.5839C>T (p.Pro1947Ser) results in a non-conservative amino acid change in the encoded protein sequence. Algorithms developed to predict the effect of missense changes on protein structure and function are either unavailable or do not agree on the potential impact of this missense change. The variant allele was found at a frequency of 2e-05 in 250962 control chromosomes. The available data on variant occurrences in the general population are insufficient to allow any conclusion about variant significance. c.5839C>T has been observed in individual(s) affected with Hereditary Breast And Ovarian Cancer Syndrome (e.g. Li_2017, Li_2018, Bhaskaran_2019, Dong_2021, Zhang_2022). These report(s) do not provide unequivocal conclusions about association of the variant with Hereditary Breast And Ovarian Cancer Syndrome. To our knowledge, no experimental evidence demonstrating an impact on protein function has been reported. The following publications have been ascertained in the context of this evaluation (PMID: 30702160, 30093976, 32467295, 30078507, 28664449, 35918668). ClinVar contains an entry for this variant (Variation ID: 51950). Based on the evidence outlined above, the variant was classified as uncertain significance.

Quest Diagnostics Nichols Institute San Juan Capistrano
Classification: Uncertain significance. Last evaluated: 2025-06-09. Review status: criteria provided, single submitter. Criteria: Quest Diagnostics criteria. Collection method: clinical testing. Allele origin: unknown.
Comment: The BRCA2 c.5839C>T (p.Pro1947Ser) variant has been reported in the published literature in individuals with breast and/or ovarian cancer (PMID: 28664449 (2017), 30078507 (2018), 35918668 (2022)), adrenal cancer (PMID: 30093976 (2018)) and reportedly unaffected individuals (PMID: 30093976 (2018), 33471991 (2021; see also LOVD). In addition, this variant has been reported to be located in a region of the BRCA2 gene that is tolerant to missense sequence changes (PMID: 31911673 (2020)). The frequency of this variant in the general population (Genome Aggregation Database) is uninformative in the assessment of its pathogenicity. Analysis of this variant using bioinformatics tools for the prediction of the effect of amino acid changes on protein structure and function yielded predictions that this variant is benign. Based on the available information, we are unable to determine the clinical significance of this variant.

GeneDx
Classification: Uncertain significance. Last evaluated: 2024-04-22. Review status: criteria provided, single submitter. Criteria: GeneDx Variant Classification Process June 2021. Collection method: clinical testing. Allele origin: germline. Affected: yes.
Comment: In silico analysis supports that this missense variant has a deleterious effect on protein structure/function; Not observed at significant frequency in large population cohorts (gnomAD); Also known as 6067C>T; This variant is associated with the following publications: (PMID: 28664449, 30078507, 30093976, 30212499, 30702160, 31825140, 32467295, 35918668)

University of Washington Department of Laboratory Medicine, University of Washington
Classification: Likely benign for Hereditary cancer-predisposing syndrome. Last evaluated: 2023-03-23. Review status: criteria provided, single submitter. Criteria: Dines et al. (Genet Med. 2020). Collection method: curation. Allele origin: germline.
Comment: Missense variant in a coldspot region where missense variants are very unlikely to be pathogenic (PMID:31911673).

BRCA2 exon 11 coldspot. Reclassification based on statistical prior probability.

Color Diagnostics, LLC DBA Color Health
Classification: Likely benign for Hereditary cancer-predisposing syndrome. Last evaluated: 2021-09-22. Review status: criteria provided, single submitter. Criteria: ACMG Guidelines, 2015. Collection method: clinical testing. Allele origin: germline.

Ambry Genetics
Classification: Likely benign for Hereditary cancer-predisposing syndrome. Last evaluated: 2019-01-14. Review status: criteria provided, single submitter. Criteria: Ambry Variant Classification Scheme 2023. Collection method: clinical testing. Allele origin: germline.

CHEO Genetics Diagnostic Laboratory, Children's Hospital of Eastern Ontario
Classification: Uncertain significance for Breast and/or ovarian cancer. Last evaluated: 2015-08-11. Review status: criteria provided, single submitter. Criteria: ACMG Guidelines, 2015. Collection method: clinical testing. Allele origin: germline. Study: Canadian Open Genetics Repository.

Counsyl
Classification: Uncertain significance for Breast-ovarian cancer, familial, susceptibility to, 2. Last evaluated: 2015-11-21. Review status: no assertion criteria provided. Collection method: clinical testing. Allele origin: unknown. Not counted in ClinVar's aggregate classification.

Breast Cancer Information Core (BIC) (BRCA2)
Classification: Uncertain significance for Breast-ovarian cancer, familial 2. Last evaluated: 2003-12-23. Review status: no assertion criteria provided. Collection method: clinical testing. Allele origin: germline. Affected: yes. Observed: 3 variant alleles. Not counted in ClinVar's aggregate classification.

Center for Precision Medicine, Meizhou People's Hospital
Classification: Uncertain significance for Familial cancer of breast. Review status: no assertion criteria provided. Collection method: literature only. Allele origin: germline. Affected: yes. Not counted in ClinVar's aggregate classification.

Literature cited by the submitters: PubMed 28664449 (cited by 3 submitters); PubMed 30093976 (cited by 3 submitters); PubMed 30078507 (cited by 3 submitters); PubMed 30702160 (cited by 3 submitters); PubMed 32467295 (cited by Women's Health and Genetics/Laboratory Corporation of America, LabCorp and Quest Diagnostics Nichols Institute San Juan Capistrano); PubMed 35918668 (cited by Women's Health and Genetics/Laboratory Corporation of America, LabCorp and Quest Diagnostics Nichols Institute San Juan Capistrano); PubMed 30212499 (cited by Quest Diagnostics Nichols Institute San Juan Capistrano); PubMed 31825140 (cited by Quest Diagnostics Nichols Institute San Juan Capistrano); PubMed 33471991 (cited by Quest Diagnostics Nichols Institute San Juan Capistrano); PubMed 31911673 (cited by Quest Diagnostics Nichols Institute San Juan Capistrano).

NM_000059.4(BRCA2):c.5839C>T (p.Pro1947Ser)

Gene: BRCA2 (BRCA2 DNA repair associated; plus strand). Cytogenetic location: 13q13.1.
Variant type: single nucleotide variant.
Coding change: c.5839C>T on transcript NM_000059.4 (MANE Select); coding-DNA position 5839, C replaced by T.
Protein change: p.Pro1947Ser; replaces proline 1947 with serine.
Molecular consequence: missense variant.
Genome position (GRCh38, 1-based): chr13:32,340,194, C>T. VCF-style: chr13-32340194-C-T. GRCh37 (hg19) VCF-style: chr13-32914331-C-T.
Other names: short protein forms P1947S.
Identifiers: ClinVar variation 51950 (VCV000051950.35), dbSNP rs80358812, ClinGen allele CA023289.